The following is an entry in ClinVar:

NM_003000.3(SDHB):c.842_843insGC (p.Ter281=)

Gene: SDHB (succinate dehydrogenase complex iron sulfur subunit B; minus strand). Cytogenetic location: 1p36.13.
Variant type: Insertion.
Coding change: c.842_843insGC on transcript NM_003000.3 (MANE Select); coding-DNA positions 842 to 843, GC inserted.
Protein change: p.Ter281=.
Molecular consequence: synonymous variant.
Genome position: GRCh38 VCF-style: chr1-17018881-T-TGC. GRCh37 (hg19) VCF-style: chr1-17345376-T-TGC.
Other names: c.788_789insGC, p.Ter263= (NM_001407361.1).
Identifiers: ClinVar variation 3904598 (VCV003904598.1).

ClinVar aggregate classification (germline): Benign (1 of 4 stars; one submission).

Conditions:
Pheochromocytoma/paraganglioma syndrome 4. Also called: CAROTID BODY TUMORS AND MULTIPLE EXTRAADRENAL PHEOCHROMOCYTOMAS; PARAGANGLIOMA, FAMILIAL MALIGNANT; PARAGANGLIOMAS, HEREDITARY EXTRAADRENAL; PHEOCHROMOCYTOMA, FAMILIAL EXTRAADRENAL; Paragangliomas 4; SDHB-Related Hereditary Paraganglioma-Pheochromocytoma Syndrome (Paragangliomas 4). Identifiers: Orphanet 29072, MedGen C1861848, MONDO:0007273, OMIM 115310.

Submission:

Myriad Genetics, Inc.
Classification: Benign for Pheochromocytoma/paraganglioma syndrome 4. Last evaluated: 2025-03-13. Review status: criteria provided, single submitter. Criteria: Myriad Autosomal Dominant, Autosomal Recessive and X-Linked Classification Criteria (2023). Collection method: clinical testing. Allele origin: unknown.
Comment: This variant is considered benign. This variant is a silent/synonymous amino acid change and it is not expected to impact splicing.